The following is an entry in ClinVar:

NM_001013836.2(MAD1L1):c.1708C>T (p.Arg570Ter)

Gene: MAD1L1 (mitotic arrest deficient 1 like 1; minus strand). Cytogenetic location: 7p22.3.
Variant type: single nucleotide variant.
Coding change: c.1708C>T on transcript NM_001013836.2 (MANE Select); coding-DNA position 1708, C replaced by T.
Protein change: p.Arg570Ter; replaces arginine 570 with a stop codon.
Molecular consequence: nonsense.
Genome position (GRCh38, 1-based): chr7:1,936,786, G>A on the plus strand (C>T on the coding strand, the complement: MAD1L1 is on the minus strand). VCF-style: chr7-1936786-G-A. GRCh37 (hg19) VCF-style: chr7-1976422-G-A.
Other names: NC_000007.13:g.1976422G>A; c.1708C>T, p.Arg570Ter (NM_001013837.2, NM_001304523.2, NM_003550.3); c.1432C>T, p.Arg478Ter (NM_001304524.2); c.76C>T, p.Arg26Ter (NM_001304525.2); short protein forms R26*, R478*, R570*.
Identifiers: ClinVar variation 4335983 (VCV004335983.3).

ClinVar aggregate classification (germline): Likely pathogenic (1 of 4 stars; one submission).

gnomAD v4.1: 51 of 1,581,970 alleles (0.0032%); highest among the groups gnomAD compares: Admixed American, 0.0036%; no homozygotes.

Submissions (2):

Dasa
Classification: Likely pathogenic. Last evaluated: 2025-08-21. Review status: criteria provided, single submitter. Criteria: DASA Assertion Criteria. Collection method: clinical testing. Allele origin: germline.
Comment: NM_001013836.2(MAD1L1):c.1708C>T (p.Arg570*) is a nonsense variant in MAD1L1 predicted to introduce a premature termination codon and is predicted to result in an absent or altered protein product. Loss of function is an established disease mechanism for MAD1L1-associated disorders. Also, this variant is rare in population databases. Based on the currently available evidence, this variant is classified as likely pathogenic.

Dr. Peter K. Rogan Lab, Western University
No classification provided (evidence only). Condition: Thyroid cancer, nonmedullary, 1. Review status: no classification provided. Collection method: in vitro. Allele origin: not applicable. Functional consequence: skipped exon. Not counted in ClinVar's aggregate classification.